The following is an entry in ClinVar:

ClinVar aggregate classification (germline): Uncertain significance (1 of 4 stars; one submission).

Allele frequency attached by ClinVar (database versions not stated): gnomAD exomes below 0.00001; TOPMed below 0.00001; gnomAD 0.00001.
gnomAD v4.1: 3 of 1,577,802 alleles (0.00019%); highest among the groups gnomAD compares: Admixed American, 0.0018%; no homozygotes.

Submission:

CeGaT Center for Human Genetics Tuebingen
Classification: Uncertain significance. Last evaluated: 2023-11-01. Review status: criteria provided, single submitter. Criteria: CeGaT Center For Human Genetics Tuebingen Variant Classification Criteria Version 2. Collection method: clinical testing. Allele origin: germline. Affected: yes. Observed: 1 variant allele.
Comment: CDH23: PM2, BP4

NM_022124.6(CDH23):c.8722+4G>A

Gene: CDH23 (cadherin related 23; plus strand). Cytogenetic location: 10q22.1.
Variant type: single nucleotide variant.
Coding change: c.8722+4G>A on transcript NM_022124.6 (MANE Select); 4 bases into the intron after coding-DNA position 8722, G replaced by A.
Molecular consequence: intron variant.
Genome position (GRCh38, 1-based): chr10:71,808,011, G>A. VCF-style: chr10-71808011-G-A. GRCh37 (hg19) VCF-style: chr10-73567768-G-A.
Other names: c.2002+4G>A (NM_001171933.1, NM_001171934.1).
Identifiers: ClinVar variation 2672399 (VCV002672399.23), dbSNP rs1215261787, ClinGen allele CA594706364.